The following is an entry in ClinVar:

NM_004329.3(BMPR1A):c.1545G>C (p.Leu515Phe)

Gene: BMPR1A (bone morphogenetic protein receptor type 1A; plus strand). Cytogenetic location: 10q23.2.
Variant type: single nucleotide variant.
Coding change: c.1545G>C on transcript NM_004329.3 (MANE Select); coding-DNA position 1545, G replaced by C.
Protein change: p.Leu515Phe; replaces leucine 515 with phenylalanine.
Molecular consequence: missense variant. On other transcripts: non-coding transcript variant (3).
Genome position (GRCh38, 1-based): chr10:86,923,665, G>C. VCF-style: chr10-86923665-G-C. GRCh37 (hg19) VCF-style: chr10-88683422-G-C.
Other names: c.1620G>C, p.Leu540Phe (NM_001406559.1); c.1593G>C, p.Leu531Phe (NM_001406560.1); c.1545G>C, p.Leu515Phe (NM_001406561.1, NM_001406562.1, NM_001406563.1 and 19 more transcripts); c.1461G>C, p.Leu487Phe (NM_001406586.1, NM_001406587.1, NM_001406588.1 and 2 more transcripts); c.1203G>C, p.Leu401Phe (NM_001406589.1); c.1539G>C, p.Leu513Phe (NM_001406583.1); short protein forms L401F, L513F, L531F, L540F, L487F, L515F.
Identifiers: ClinVar variation 5032984 (VCV005032984.1).
Genomic context (GRCh38, chr10:86,923,665, plus strand): 5'-AGTTTTGAAGCTAATGTCAGAATGCTGGGCCCACAATCCAGCCTCCAGACTCACAGCATT[G>C]AGAATTAAGAAGACGCTTGCCAAGATGGTTGAATCCCAAGATGTAAAAATCTGATGGTTA-3'
Protein context (NP_004320.2, residues 505-525): AHNPASRLTA[Leu515Phe]RIKKTLAKMV

ClinVar aggregate classification (germline): Uncertain significance (1 of 4 stars; one submission).

Conditions:
Hereditary cancer-predisposing syndrome. Also called: Neoplastic Syndromes, Hereditary; Tumor predisposition; Hereditary neoplastic syndrome; Hereditary Cancer Syndrome. Identifiers: Orphanet 140162, MedGen C0027672, MeSH D009386, MONDO:0015356.

Submission:

Ambry Genetics
Classification: Uncertain significance for Hereditary cancer-predisposing syndrome. Last evaluated: 2026-07-06. Review status: criteria provided, single submitter. Criteria: Ambry Variant Classification Scheme 2023. Collection method: clinical testing. Allele origin: germline.
Comment: The p.L515F variant (also known as c.1545G>C), located in coding exon 11 of the BMPR1A gene, results from a G to C substitution at nucleotide position 1545. The leucine at codon 515 is replaced by phenylalanine, an amino acid with highly similar properties. This amino acid position is conserved. In addition, the in silico prediction for this alteration is inconclusive. Based on the available evidence, the clinical significance of this variant remains unclear.